The following is an entry in ClinVar:

ClinVar aggregate classification (germline): Benign. Review status: criteria provided, multiple submitters, no conflicts (2 of 4 stars). 3 submissions from 3 submitters: Benign (2). 1 of the submissions does not count toward it. Last evaluated 2026-01-05.

Conditions:
CTSB-related disorder. Also called: CTSB-related condition.

Allele frequency attached by ClinVar (database versions not stated): 1000 Genomes Project 0.07308; 1000 Genomes Project 30x 0.07402.
gnomAD v4.1: 52,281 of 1,612,684 alleles (3.2%); highest among the groups gnomAD compares: African/African-American, 19%; 2,014 homozygotes.

Submissions (3):

Labcorp Genetics (formerly Invitae), Labcorp
Classification: Benign. Last evaluated: 2026-01-05. Review status: criteria provided, single submitter. Criteria: Invitae Variant Classification Sherloc (09022015). Collection method: clinical testing. Allele origin: germline.

Breakthrough Genomics
Classification: Benign. Review status: criteria provided, single submitter. Criteria: ACMG Guidelines, 2015. Collection method: not provided. Allele origin: germline. Inheritance: Autosomal dominant inheritance. Affected: yes.

PreventionGenetics, part of Exact Sciences
Classification: Benign for CTSB-related condition. Last evaluated: 2019-11-11. Review status: no assertion criteria provided. Collection method: clinical testing. Allele origin: germline. Not counted in ClinVar's aggregate classification.
Comment: This variant is classified as benign based on ACMG/AMP sequence variant interpretation guidelines (Richards et al. 2015 PMID: 25741868, with internal and published modifications).

NM_001908.5(CTSB):c.420A>G (p.Thr140=)

Gene: CTSB (cathepsin B). Cytogenetic location: 8p23.1.
Variant type: single nucleotide variant.
Coding change: c.420A>G on transcript NM_001908.5 (MANE Select); coding-DNA position 420, A replaced by G.
Protein change: p.Thr140=; no amino-acid change (threonine 140 retained).
Molecular consequence: synonymous variant. On other transcripts: intron variant (1).
Genome position (GRCh38, 1-based): chr8:11,849,072, T>C on the plus strand (A>G on the coding strand, the complement: CTSB is on the minus strand). VCF-style: chr8-11849072-T-C. GRCh37 (hg19) VCF-style: chr8-11706581-T-C.
Other names: c.420A>G, p.Thr140= (NM_001384714.1, NM_001384723.1, NM_001384724.1 and 8 more transcripts); c.75-920A>G (NM_001317237.2); c.420A>G (NM_001908.4).
Identifiers: ClinVar variation 1164778 (VCV001164778.12), dbSNP rs13332, ClinGen allele CA4632948.